The following is an entry in ClinVar:

ClinVar aggregate classification (germline): Uncertain significance (1 of 4 stars; one submission).

Conditions:
Developmental and epileptic encephalopathy, 30 (DEE30). Also called: Epileptic encephalopathy, early infantile, 30. Identifiers: MedGen C4225360, MONDO:0014595, OMIM 616341.

Allele frequency attached by ClinVar (database versions not stated): gnomAD exomes 0.00001.

Submission:

Labcorp Genetics (formerly Invitae), Labcorp
Classification: Uncertain significance for Developmental and epileptic encephalopathy, 30. Last evaluated: 2024-11-18. Review status: criteria provided, single submitter. Criteria: Invitae Variant Classification Sherloc (09022015). Collection method: clinical testing. Allele origin: germline.
Comment: This sequence change replaces glutamine, which is neutral and polar, with proline, which is neutral and non-polar, at codon 402 of the SIK1 protein (p.Gln402Pro). This variant is present in population databases (no rsID available, gnomAD 0.002%). This variant has not been reported in the literature in individuals affected with SIK1-related conditions. ClinVar contains an entry for this variant (Variation ID: 948276). Invitae Evidence Modeling of protein sequence and biophysical properties (such as structural, functional, and spatial information, amino acid conservation, physicochemical variation, residue mobility, and thermodynamic stability) indicates that this missense variant is not expected to disrupt SIK1 protein function with a negative predictive value of 95%. In summary, the available evidence is currently insufficient to determine the role of this variant in disease. Therefore, it has been classified as a Variant of Uncertain Significance.

NM_173354.5(SIK1):c.1205A>C (p.Gln402Pro)

Gene: SIK1 (salt inducible kinase 1; minus strand). Cytogenetic location: 21q22.3.
Variant type: single nucleotide variant.
Coding change: c.1205A>C on transcript NM_173354.5 (MANE Select); coding-DNA position 1205, A replaced by C.
Protein change: p.Gln402Pro; replaces glutamine 402 with proline.
Molecular consequence: missense variant.
Genome position (GRCh38, 1-based): chr21:43,419,393, T>G on the plus strand (A>C on the coding strand, the complement: SIK1 is on the minus strand). VCF-style: chr21-43419393-T-G. GRCh37 (hg19) VCF-style: chr21-44839273-T-G.
Other names: short protein forms Q402P.
Identifiers: ClinVar variation 948276 (VCV000948276.10), dbSNP rs1188686119, ClinGen allele CA410608513.